The following is an entry in ClinVar:

NM_000535.7(PMS2):c.2300T>C (p.Leu767Pro)

Gene: PMS2 (PMS1 homolog 2, mismatch repair system component; minus strand). Cytogenetic location: 7p22.1.
Variant type: single nucleotide variant.
Coding change: c.2300T>C on transcript NM_000535.7 (MANE Select); coding-DNA position 2300, T replaced by C.
Protein change: p.Leu767Pro; replaces leucine 767 with proline.
Molecular consequence: missense variant.
Genome position (GRCh38, 1-based): chr7:5,977,733, A>G on the plus strand (T>C on the coding strand, the complement: PMS2 is on the minus strand). VCF-style: chr7-5977733-A-G. GRCh37 (hg19) VCF-style: chr7-6017364-A-G.
Other names: c.1895T>C, p.Leu632Pro (NM_001322003.2, NM_001322004.2, NM_001322005.2); c.2144T>C, p.Leu715Pro (NM_001322006.2); c.1982T>C, p.Leu661Pro (NM_001322007.2, NM_001322008.2); c.1928T>C, p.Leu643Pro (NM_001322009.2); c.1739T>C, p.Leu580Pro (NM_001322010.2); c.1367T>C, p.Leu456Pro (NM_001322011.2, NM_001322012.2); c.1727T>C, p.Leu576Pro (NM_001322013.2); c.2333T>C, p.Leu778Pro (NM_001322014.2); and 1 more; short protein forms L643P, L767P, L778P, L715P, L632P, L664P, L456P, L576P.
Identifiers: ClinVar variation 852279 (VCV000852279.14), dbSNP rs1781853056, ClinGen allele CA366736088.

ClinVar aggregate classification (germline): Uncertain significance. Review status: criteria provided, multiple submitters, no conflicts (2 of 4 stars). 3 submissions from 3 submitters: Uncertain significance (3). Last evaluated 2025-09-11.

Conditions:
Lynch syndrome 4 (LYNCH4). Also called: Hereditary non-polyposis colorectal cancer, type 4; Colorectal cancer, hereditary nonpolyposis, type 4. Identifiers: Orphanet 144, MedGen C1838333, MONDO:0013699, OMIM 614337. Disease mechanism: loss of function.
Hereditary nonpolyposis colorectal neoplasms. Identifiers: MedGen C0009405, MeSH D003123.
Hereditary cancer-predisposing syndrome. Also called: Neoplastic Syndromes, Hereditary; Hereditary Cancer Syndrome; Tumor predisposition; Hereditary neoplastic syndrome. Identifiers: Orphanet 140162, MedGen C0027672, MeSH D009386, MONDO:0015356.

Submissions (3):

Ambry Genetics
Classification: Uncertain significance for Hereditary cancer-predisposing syndrome. Last evaluated: 2025-09-11. Review status: criteria provided, single submitter. Criteria: Ambry Variant Classification Scheme 2023. Collection method: clinical testing. Allele origin: germline.
Comment: The p.L767P variant (also known as c.2300T>C), located in coding exon 14 of the PMS2 gene, results from a T to C substitution at nucleotide position 2300. The leucine at codon 767 is replaced by proline, an amino acid with similar properties. This amino acid position is highly conserved in available vertebrate species. In addition, this alteration is predicted to be deleterious by in silico analysis. Based on the available evidence, the clinical significance of this variant remains unclear.

Labcorp Genetics (formerly Invitae), Labcorp
Classification: Uncertain significance for Hereditary nonpolyposis colorectal neoplasms. Last evaluated: 2024-05-29. Review status: criteria provided, single submitter. Criteria: Invitae Variant Classification Sherloc (09022015). Collection method: clinical testing. Allele origin: germline.
Comment: This sequence change replaces leucine, which is neutral and non-polar, with proline, which is neutral and non-polar, at codon 767 of the PMS2 protein (p.Leu767Pro). The frequency data for this variant in the population databases (gnomAD) is considered unreliable due to the presence of homologous sequence, such as pseudogenes or paralogs, in the genome. This variant has not been reported in the literature in individuals affected with PMS2-related conditions. ClinVar contains an entry for this variant (Variation ID: 852279). Advanced modeling of protein sequence and biophysical properties (such as structural, functional, and spatial information, amino acid conservation, physicochemical variation, residue mobility, and thermodynamic stability) performed at Invitae indicates that this missense variant is expected to disrupt PMS2 protein function with a positive predictive value of 80%. In summary, the available evidence is currently insufficient to determine the role of this variant in disease. Therefore, it has been classified as a Variant of Uncertain Significance.

Baylor Genetics
Classification: Uncertain significance for Lynch syndrome 4. Last evaluated: 2023-12-14. Review status: criteria provided, single submitter. Criteria: ACMG Guidelines, 2015. Collection method: clinical testing. Allele origin: unknown.